The following is an entry in ClinVar:

ClinVar aggregate classification (germline): Uncertain significance (1 of 4 stars; one submission).

Submission:

Labcorp Genetics (formerly Invitae), Labcorp
Classification: Uncertain significance. Last evaluated: 2023-10-13. Review status: criteria provided, single submitter. Criteria: Invitae Variant Classification Sherloc (09022015). Collection method: clinical testing. Allele origin: germline.
Comment: This sequence change replaces valine, which is neutral and non-polar, with aspartic acid, which is acidic and polar, at codon 2181 of the HIVEP2 protein (p.Val2181Asp). This variant is not present in population databases (gnomAD no frequency). This variant has not been reported in the literature in individuals affected with HIVEP2-related conditions. This missense change has been observed in at least one individual who was not affected with HIVEP2-related conditions (Invitae). An algorithm developed to predict the effect of missense changes on protein structure and function (PolyPhen-2) suggests that this variant is likely to be tolerated. In summary, the available evidence is currently insufficient to determine the role of this variant in disease. Therefore, it has been classified as a Variant of Uncertain Significance.

NM_006734.4(HIVEP2):c.6542T>A (p.Val2181Asp)

Gene: HIVEP2 (HIVEP zinc finger 2; minus strand). Cytogenetic location: 6q24.2.
Variant type: single nucleotide variant.
Coding change: c.6542T>A on transcript NM_006734.4 (MANE Select); coding-DNA position 6542, T replaced by A.
Protein change: p.Val2181Asp; replaces valine 2181 with aspartic acid.
Molecular consequence: missense variant.
Genome position (GRCh38, 1-based): chr6:142,753,906, A>T on the plus strand (T>A on the coding strand, the complement: HIVEP2 is on the minus strand). VCF-style: chr6-142753906-A-T. GRCh37 (hg19) VCF-style: chr6-143075043-A-T.
Other names: short protein forms V2181D.
Identifiers: ClinVar variation 2870317 (VCV002870317.3), dbSNP rs2482736331, ClinGen allele CA365942267.